The following is an entry in ClinVar:

NM_152443.3(RDH12):c.506G>A (p.Arg169Gln)

Genes: GPHN (gephyrin; plus strand), RDH12 (retinol dehydrogenase 12; plus strand). Cytogenetic location: 14q24.1.
Variant type: single nucleotide variant.
Coding change: c.506G>A on transcript NM_152443.3 (MANE Select); coding-DNA position 506, G replaced by A.
Protein change: p.Arg169Gln; replaces arginine 169 with glutamine.
Molecular consequence: missense variant.
Genome position (GRCh38, 1-based): chr14:67,727,038, G>A. VCF-style: chr14-67727038-G-A. GRCh37 (hg19) VCF-style: chr14-68193755-G-A.
Other names: short protein forms R169Q.
Identifiers: ClinVar variation 623219 (VCV000623219.22), dbSNP rs971610277, ClinGen allele CA262809235.

ClinVar aggregate classification (germline): Pathogenic/Likely pathogenic. Review status: criteria provided, multiple submitters, no conflicts (2 of 4 stars). 8 submissions from 8 submitters: Pathogenic (6); Likely pathogenic (1). 1 of the submissions does not count toward it. Last evaluated 2025-08-15.

Conditions:
Leber congenital amaurosis (LCA). Also called: Leber's amaurosis. Identifiers: Orphanet 65, MedGen C0339527, MeSH D057130, MONDO:0018998.
RDH12-related disorder. Also called: RDH12-related condition; RDH12-related disorders.
Leber congenital amaurosis 13 (LCA13). Identifiers: MedGen C2675186, MONDO:0012990, OMIM 612712.

Allele frequency attached by ClinVar (database versions not stated): gnomAD 0.00001; gnomAD exomes 0.00001 and 0.00004; TOPMed 0.00002.
gnomAD v4.1: 59 of 1,613,678 alleles (0.0037%); highest among the groups gnomAD compares: Middle Eastern, 0.017%; no homozygotes.

Submissions (8):

Labcorp Genetics (formerly Invitae), Labcorp
Classification: Pathogenic for Leber congenital amaurosis 13. Last evaluated: 2025-08-15. Review status: criteria provided, single submitter. Criteria: Invitae Variant Classification Sherloc (09022015). Collection method: clinical testing. Allele origin: germline.
Comment: This sequence change replaces arginine, which is basic and polar, with glutamine, which is neutral and polar, at codon 169 of the RDH12 protein (p.Arg169Gln). This variant is present in population databases (no rsID available, gnomAD 0.003%). This missense change has been observed in individuals with autosomal recessive Leber congenital amaurosis (PMID: 22065924, 25133751). ClinVar contains an entry for this variant (Variation ID: 623219). Invitae Evidence Modeling of protein sequence and biophysical properties (such as structural, functional, and spatial information, amino acid conservation, physicochemical variation, residue mobility, and thermodynamic stability) indicates that this missense variant is expected to disrupt RDH12 protein function with a positive predictive value of 80%. Algorithms developed to predict the effect of sequence changes on RNA splicing suggest that this variant may create or strengthen a splice site. This variant disrupts the p.Arg169 amino acid residue in RDH12. Other variant(s) that disrupt this residue have been observed in individuals with RDH12-related conditions (PMID: 22065924, 26047050), which suggests that this may be a clinically significant amino acid residue. For these reasons, this variant has been classified as Pathogenic.

GeneDx
Classification: Pathogenic. Last evaluated: 2025-05-17. Review status: criteria provided, single submitter. Criteria: GeneDx Variant Classification Process June 2021. Collection method: clinical testing. Allele origin: germline. Affected: yes.
Comment: In silico analysis supports that this missense variant has a deleterious effect on protein structure/function; In silico analysis suggests this variant may impact gene splicing. In the absence of RNA/functional studies, the actual effect of this sequence change is unknown.; This variant is associated with the following publications: (PMID: 30134391, 22065924, 28559085, 32172635, 24705292, 25133751, 34426522, 31589614, 35006499, 31816670, 36703223, 38219857, 39766915, 31964843, 34315337)

Blueprint Genetics
Classification: Pathogenic for RDH12-related disorders. Last evaluated: 2024-11-13. Review status: criteria provided, single submitter. Criteria: ACMG Guidelines, 2015. Collection method: clinical testing. Allele origin: germline. Affected: yes. Observed: 5 variant alleles.

Fulgent Genetics
Classification: Pathogenic for Leber congenital amaurosis 13. Last evaluated: 2024-06-19. Review status: criteria provided, single submitter. Criteria: ACMG Guidelines, 2015. Collection method: clinical testing. Allele origin: germline.

Natera, Inc.
Classification: Pathogenic for Leber congenital amaurosis. Last evaluated: 2024-06-06. Review status: criteria provided, single submitter. Criteria: Natera Variant Classification Schema (03/2026). Collection method: clinical testing. Allele origin: germline.
Comment: The c.506G>A variant in RDH12 is a missense variant predicted to cause substitution of arginine to glutamine at amino acid 169. This variant is rare in the general population with a frequency below the threshold expected for the associated phenotype(s). This variant has been observed in one or more individuals affected with the associated recessive disease, as either homozygous or compound heterozygous with a second variant (PMID: 25133751, 22065924, 28341476, 30134391, 35006499). Additionally, this variant has been observed to segregate in affected family members (PMID: 32172635). A different variant at the same position has been determined to be Pathogenic or Likely Pathogenic. Computational prediction algorithms indicate this variant is likely to affect gene or protein function. Given the available evidence, this variant is classified as Pathogenic.

Dubai Health Genomic Medicine Center, Dubai Health
Classification: Pathogenic. Last evaluated: 2022-12-17. Review status: criteria provided, single submitter. Criteria: ACMG Guidelines, 2015. Collection method: clinical testing. Allele origin: germline. Affected: yes.

Molecular Diagnostics Laboratory, M Health Fairview: University of Minnesota
Classification: Likely pathogenic for Leber congenital amaurosis 13. Last evaluated: 2016-10-13. Review status: criteria provided, single submitter. Criteria: ACMG Guidelines, 2015. Collection method: clinical testing. Allele origin: germline. Affected: yes. Observed: 1 variant allele.

Ocular Genomics Institute, Massachusetts Eye and Ear
Classification: Likely pathogenic for Leber congenital amaurosis 13. Last evaluated: 2019-08-01. Review status: no assertion criteria provided. Collection method: clinical testing. Allele origin: germline. Affected: yes. Observed: 1 variant allele. Not counted in ClinVar's aggregate classification.

Literature cited by the submitters: PubMed 22065924 (cited by 3 submitters); PubMed 25133751 (cited by Labcorp Genetics (formerly Invitae), Labcorp and Natera, Inc.); PubMed 26047050 (cited by Labcorp Genetics (formerly Invitae), Labcorp); PubMed 28341476 (cited by Natera, Inc.); PubMed 30134391 (cited by Natera, Inc.); PubMed 35006499 (cited by Natera, Inc.); PubMed 32172635 (cited by Natera, Inc.).